The following is an entry in ClinVar:

NM_001103.4(ACTN2):c.1708G>C (p.Gly570Arg)

Gene: ACTN2 (actinin alpha 2; plus strand). Cytogenetic location: 1q43.
Variant type: single nucleotide variant.
Coding change: c.1708G>C on transcript NM_001103.4 (MANE Select); coding-DNA position 1708, G replaced by C.
Protein change: p.Gly570Arg; replaces glycine 570 with arginine.
Molecular consequence: missense variant. On other transcripts: non-coding transcript variant (1).
Genome position (GRCh38, 1-based): chr1:236,751,521, G>C. VCF-style: chr1-236751521-G-C. GRCh37 (hg19) VCF-style: chr1-236914821-G-C.
Other names: c.1708G>C, p.Gly570Arg (NM_001278343.2); c.1084G>C, p.Gly362Arg (NM_001278344.2); c.958G>C, p.Gly320Arg (NM_001412150.1); short protein forms G362R, G320R, G570R.
Identifiers: ClinVar variation 2609656 (VCV002609656.5), dbSNP rs373132971, ClinGen allele CA345385791.

ClinVar aggregate classification (germline): Uncertain significance. Review status: criteria provided, multiple submitters, no conflicts (2 of 4 stars). 2 submissions from 2 submitters: Uncertain significance (2). Last evaluated 2023-11-29.

Conditions:
Cardiovascular phenotype. Identifiers: MedGen CN230736.
Primary familial hypertrophic cardiomyopathy (HCM). Identifiers: Orphanet 99739, MedGen C0949658, MeSH D024741, MONDO:0024573. Inheritance: Various modes of inheritance.
Dilated cardiomyopathy 1AA (CMD1AA). Also called: CARDIOMYOPATHY, DILATED, 1AA, WITH OR WITHOUT LEFT VENTRICULAR NONCOMPACTION; CARDIOMYOPATHY, FAMILIAL HYPERTROPHIC, 23, WITH OR WITHOUT LEFT VENTRICULAR NONCOMPACTION; Cardiomyopathy, dilated, 1AA, with or without LVNC. Identifiers: Orphanet 154, MedGen C2677338, MONDO:0012808, OMIM 612158.

Submissions (2):

Labcorp Genetics (formerly Invitae), Labcorp
Classification: Uncertain significance for Primary familial hypertrophic cardiomyopathy; Dilated cardiomyopathy 1AA. Last evaluated: 2023-11-29. Review status: criteria provided, single submitter. Criteria: Invitae Variant Classification Sherloc (09022015). Collection method: clinical testing. Allele origin: germline.
Comment: This sequence change replaces glycine, which is neutral and non-polar, with arginine, which is basic and polar, at codon 570 of the ACTN2 protein (p.Gly570Arg). This variant is not present in population databases (gnomAD no frequency). This variant has not been reported in the literature in individuals affected with ACTN2-related conditions. Advanced modeling of protein sequence and biophysical properties (such as structural, functional, and spatial information, amino acid conservation, physicochemical variation, residue mobility, and thermodynamic stability) performed at Invitae indicates that this missense variant is not expected to disrupt ACTN2 protein function with a negative predictive value of 80%. In summary, the available evidence is currently insufficient to determine the role of this variant in disease. Therefore, it has been classified as a Variant of Uncertain Significance.

Ambry Genetics
Classification: Uncertain significance for Cardiovascular phenotype. Last evaluated: 2023-07-05. Review status: criteria provided, single submitter. Criteria: Ambry Variant Classification Scheme 2023. Collection method: clinical testing. Allele origin: germline.